The following is an entry in ClinVar:

ClinVar aggregate classification (germline): Likely benign (1 of 4 stars; one submission).

Allele frequency attached by ClinVar (database versions not stated): gnomAD 0.00001; ExAC 0.00002.
gnomAD v4.1: 12 of 1,613,876 alleles (0.00074%); highest among the groups gnomAD compares: South Asian, 0.0044%; no homozygotes.

Submission:

CeGaT Center for Human Genetics Tuebingen
Classification: Likely benign. Last evaluated: 2022-05-01. Review status: criteria provided, single submitter. Criteria: CeGaT Center For Human Genetics Tuebingen Variant Classification Criteria Version 2. Collection method: clinical testing. Allele origin: germline. Affected: yes. Observed: 1 variant allele.
Comment: MADD: BP4, BP7

NM_001376571.1(MADD):c.4932G>A (p.Pro1644=)

Gene: MADD (MAP kinase activating death domain; plus strand). Cytogenetic location: 11p11.2.
Variant type: single nucleotide variant.
Coding change: c.4932G>A on transcript NM_001376571.1 (MANE Select); coding-DNA position 4932, G replaced by A.
Protein change: p.Pro1644=; no amino-acid change (proline 1644 retained).
Molecular consequence: synonymous variant. On other transcripts: non-coding transcript variant (8), 3 prime UTR variant (44).
Genome position (GRCh38, 1-based): chr11:47,329,129, G>A. VCF-style: chr11-47329129-G-A. GRCh37 (hg19) VCF-style: chr11-47350680-G-A.
Other names: c.4920G>A, p.Pro1640= (NM_001376572.1); c.4911G>A, p.Pro1637= (NM_001376573.1); c.4878G>A, p.Pro1626= (NM_001376574.1); c.4872G>A, p.Pro1624= (NM_001376575.1); c.4860G>A, p.Pro1620= (NM_001376576.1, NM_001376577.1); c.4833G>A, p.Pro1611= (NM_001376578.1); c.4806G>A, p.Pro1602= (NM_001376579.1, NM_130473.3); c.4797G>A, p.Pro1599= (NM_001376580.1); and 32 more.
Identifiers: ClinVar variation 2641765 (VCV002641765.24), dbSNP rs777283291, ClinGen allele CA5975340.
Genomic context (GRCh38, chr11:47,329,129, plus strand): 5'-ATTATGTCTCTTCTCGTACGTGGCTGCAGTTCATAGCAGTGAGGAAGATCTCAGAACCCC[G>A]CCCCGGCCTGTCTCTAGCTGATGGAGAGGGGCTACGCAGCTGCCCCAGCCCAGGGCACGC-3'
Protein context (NP_001363500.1, residues 1634-1650): VHSSEEDLRT[Pro1644=]PRPVSS